The following is an entry in ClinVar:

ClinVar aggregate classification (germline): Uncertain significance (1 of 4 stars; one submission).

Conditions:
Developmental and epileptic encephalopathy, 12 (DEE12). Identifiers: MedGen C3150988, MONDO:0013389, OMIM 613722.

Submission:

Labcorp Genetics (formerly Invitae), Labcorp
Classification: Uncertain significance for Developmental and epileptic encephalopathy, 12. Last evaluated: 2019-08-21. Review status: criteria provided, single submitter. Criteria: Invitae Variant Classification Sherloc (09022015). Collection method: clinical testing. Allele origin: germline.
Comment: In summary, the available evidence is currently insufficient to determine the role of this variant in disease. Therefore, it has been classified as a Variant of Uncertain Significance. Algorithms developed to predict the effect of missense changes on protein structure and function are either unavailable or do not agree on the potential impact of this missense change (SIFT: "Deleterious"; PolyPhen-2: "Probably Damaging"; Align-GVGD: "Class C0"). This variant has not been reported in the literature in individuals with PNKP-related conditions. This variant is not present in population databases (ExAC no frequency). This sequence change replaces cysteine with phenylalanine at codon 409 of the PNKP protein (p.Cys409Phe). The cysteine residue is highly conserved and there is a large physicochemical difference between cysteine and phenylalanine.

NM_007254.4(PNKP):c.1226G>T (p.Cys409Phe)

Gene: PNKP (polynucleotide kinase 3'-phosphatase; minus strand). Cytogenetic location: 19q13.33.
Variant type: single nucleotide variant.
Coding change: c.1226G>T on transcript NM_007254.4 (MANE Select); coding-DNA position 1226, G replaced by T.
Protein change: p.Cys409Phe; replaces cysteine 409 with phenylalanine.
Molecular consequence: missense variant.
Genome position (GRCh38, 1-based): chr19:49,861,844, C>A on the plus strand (G>T on the coding strand, the complement: PNKP is on the minus strand). VCF-style: chr19-49861844-C-A. GRCh37 (hg19) VCF-style: chr19-50365101-C-A.
Other names: short protein forms C409F.
Identifiers: ClinVar variation 958590 (VCV000958590.10), dbSNP rs2074769803, ClinGen allele CA406933578.